The following is an entry in ClinVar:

NM_024685.4(BBS10):c.1469A>C (p.His490Pro)

Gene: BBS10 (Bardet-Biedl syndrome 10; minus strand). Cytogenetic location: 12q21.2.
Variant type: single nucleotide variant.
Coding change: c.1469A>C on transcript NM_024685.4 (MANE Select); coding-DNA position 1469, A replaced by C.
Protein change: p.His490Pro; replaces histidine 490 with proline.
Molecular consequence: missense variant.
Genome position (GRCh38, 1-based): chr12:76,346,516, T>G on the plus strand (A>C on the coding strand, the complement: BBS10 is on the minus strand). VCF-style: chr12-76346516-T-G. GRCh37 (hg19) VCF-style: chr12-76740296-T-G.
Other names: short protein forms H490P.
Identifiers: ClinVar variation 4995756 (VCV004995756.1).

ClinVar aggregate classification (germline): Uncertain significance (1 of 4 stars; one submission).

Conditions:
BBS10-related disorder. Also called: BBS10-related condition.

gnomAD v4.1: 1 of 1,613,990 alleles (0.000062%); highest among the groups gnomAD compares: Non-Finnish European, 0.000085%; no homozygotes.

Submission:

PreventionGenetics, part of Exact Sciences
Classification: Uncertain significance for BBS10-related condition. Last evaluated: 2026-09-02. Review status: criteria provided, single submitter. Criteria: ACMG Guidelines, 2015. Collection method: clinical testing. Allele origin: germline.
Comment: The BBS10 c.1469A>C variant is predicted to result in the amino acid substitution p.His490Pro. To our knowledge, this variant has not been reported in the literature or in a large population database (gnomAD), indicating this variant is rare. At this time, the clinical significance of this variant is uncertain due to the absence of conclusive functional and genetic evidence.